The following is an entry in ClinVar:

NM_014918.5(CHSY1):c.1403G>C (p.Arg468Thr)

Gene: CHSY1 (chondroitin sulfate synthase 1; minus strand). Cytogenetic location: 15q26.3.
Variant type: single nucleotide variant.
Coding change: c.1403G>C on transcript NM_014918.5 (MANE Select); coding-DNA position 1403, G replaced by C.
Protein change: p.Arg468Thr; replaces arginine 468 with threonine.
Molecular consequence: missense variant.
Genome position (GRCh38, 1-based): chr15:101,178,394, C>G on the plus strand (G>C on the coding strand, the complement: CHSY1 is on the minus strand). VCF-style: chr15-101178394-C-G. GRCh37 (hg19) VCF-style: chr15-101718599-C-G.
Other names: short protein forms R468T.
Identifiers: ClinVar variation 4742522 (VCV004742522.1).

ClinVar aggregate classification (germline): Uncertain significance (1 of 4 stars; one submission).

Conditions:
Temtamy preaxial brachydactyly syndrome (TPBS). Identifiers: Orphanet 363417, MedGen C1854466, MONDO:0011533, OMIM 605282.

gnomAD v4.1: 1 of 1,612,154 alleles (0.000062%); highest among the groups gnomAD compares: South Asian, 0.0011%; no homozygotes.

Submission:

Labcorp Genetics (formerly Invitae), Labcorp
Classification: Uncertain significance for Temtamy preaxial brachydactyly syndrome. Last evaluated: 2025-08-13. Review status: criteria provided, single submitter. Criteria: Invitae Variant Classification Sherloc (09022015). Collection method: clinical testing. Allele origin: germline.
Comment: This sequence change replaces arginine, which is basic and polar, with threonine, which is neutral and polar, at codon 468 of the CHSY1 protein (p.Arg468Thr). This variant is present in population databases (rs766495251, gnomAD 0.003%). This variant has not been reported in the literature in individuals affected with CHSY1-related conditions. Invitae Evidence Modeling of protein sequence and biophysical properties (such as structural, functional, and spatial information, amino acid conservation, physicochemical variation, residue mobility, and thermodynamic stability) indicates that this missense variant is expected to disrupt CHSY1 protein function with a positive predictive value of 80%. In summary, the available evidence is currently insufficient to determine the role of this variant in disease. Therefore, it has been classified as a Variant of Uncertain Significance.